The following is an entry in ClinVar:

NM_006502.3(POLH):c.207del (p.Lys70fs)

Gene: POLH (DNA polymerase eta; plus strand). Cytogenetic location: 6p21.1.
Variant type: Deletion.
Coding change: c.207del on transcript NM_006502.3 (MANE Select); coding-DNA position 207, one base deleted (G; older notation c.207delG).
Protein change: p.Lys70fs; shifts the reading frame from lysine 70.
Molecular consequence: frameshift variant.
Genome position (GRCh38, 1-based): chr6:43,583,076, G deleted. VCF-style (leftmost placement, unchanged base first): chr6-43583075-AG-A. GRCh37 (hg19) VCF-style: chr6-43550812-AG-A.
Other names: c.53del, p.Arg18fs (NM_001291969.2); c.207del, p.Lys70fs (NM_001291970.2); short protein forms K70fs, R18fs.
Identifiers: ClinVar variation 5892 (VCV000005892.5), dbSNP rs1176350430, ClinGen allele CA824939597.
Genomic context (GRCh38, chr6:43,583,075, plus strand): 5'-CAGTGAGTTATGAAGCTCGTGCATTTGGAGTCACTAGAAGTATGTGGGCAGATGATGCTA[AG>A]AAGTTATGTCCAGATCTTCTACTGGCACAAGTTCGTGAGTCCCGTGGGAAAGCTAACCTC-3'

ClinVar aggregate classification (germline): Pathogenic. Review status: criteria provided, single submitter (1 of 4 stars). 2 submissions from 2 submitters: Pathogenic (1). 1 of the submissions does not count toward it. Last evaluated 2024-02-01.

Conditions:
Xeroderma pigmentosum variant type. Also called: PHOTOSENSITIVITY WITH DEFECTIVE DNA SYNTHESIS; XERODERMA PIGMENTOSUM WITH NORMAL DNA REPAIR RATES; POLH-Related Xeroderma Pigmentosum. Identifiers: Orphanet 90342, MedGen C1848410, MONDO:0010214, OMIM 278750.

Allele frequency attached by ClinVar (database versions not stated): gnomAD 0.00001; TOPMed 0.00001; gnomAD exomes 0.00002.

Submissions (2):

Labcorp Genetics (formerly Invitae), Labcorp
Classification: Pathogenic. Last evaluated: 2024-02-01. Review status: criteria provided, single submitter. Criteria: Invitae Variant Classification Sherloc (09022015). Collection method: clinical testing. Allele origin: germline.
Comment: This sequence change creates a premature translational stop signal (p.Lys70Serfs*30) in the POLH gene. It is expected to result in an absent or disrupted protein product. Loss-of-function variants in POLH are known to be pathogenic (PMID: 11773631, 24130121, 25256075). This variant is not present in population databases (gnomAD no frequency). This premature translational stop signal has been observed in individual(s) with xeroderma pigmentosum (PMID: 10398605). ClinVar contains an entry for this variant (Variation ID: 5892). For these reasons, this variant has been classified as Pathogenic.

OMIM
Classification: Pathogenic for XERODERMA PIGMENTOSUM, VARIANT TYPE. Last evaluated: 1999-07-09. Review status: no assertion criteria provided. Collection method: literature only. Allele origin: germline. Not counted in ClinVar's aggregate classification.

Literature cited by the submitters: PubMed 11773631 (cited by Labcorp Genetics (formerly Invitae), Labcorp); PubMed 24130121 (cited by Labcorp Genetics (formerly Invitae), Labcorp); PubMed 25256075 (cited by Labcorp Genetics (formerly Invitae), Labcorp); PubMed 10398605 (cited by Labcorp Genetics (formerly Invitae), Labcorp and OMIM).